The following is an entry in ClinVar:

ClinVar aggregate classification (germline): Uncertain significance (1 of 4 stars; one submission).

Allele frequency attached by ClinVar (database versions not stated): gnomAD 0.00001; TOPMed 0.00001.
gnomAD v4.1: 3 of 1,602,596 alleles (0.00019%); highest among the groups gnomAD compares: South Asian, 0.0022%; no homozygotes.

Submission:

Labcorp Genetics (formerly Invitae), Labcorp
Classification: Uncertain significance. Last evaluated: 2024-02-17. Review status: criteria provided, single submitter. Criteria: Invitae Variant Classification Sherloc (09022015). Collection method: clinical testing. Allele origin: germline.
Comment: This sequence change replaces proline with leucine at codon 644 of the COL18A1 protein (p.Pro644Leu). There is a moderate physicochemical difference between proline and leucine. This variant is present in population databases (rs759989824, gnomAD 0.007%). This variant has not been reported in the literature in individuals affected with COL18A1-related conditions. ClinVar contains an entry for this variant (Variation ID: 1425466). Experimental studies and prediction algorithms are not available or were not evaluated, and the functional significance of this variant is currently unknown. In summary, the available evidence is currently insufficient to determine the role of this variant in disease. Therefore, it has been classified as a Variant of Uncertain Significance.

NM_001379500.1(COL18A1):c.1931C>T (p.Pro644Leu)

Gene: COL18A1 (collagen type XVIII alpha 1 chain; plus strand). Cytogenetic location: 21q22.3.
Variant type: single nucleotide variant.
Coding change: c.1931C>T on transcript NM_001379500.1 (MANE Select); coding-DNA position 1931, C replaced by T.
Protein change: p.Pro644Leu; replaces proline 644 with leucine.
Molecular consequence: missense variant.
Genome position (GRCh38, 1-based): chr21:45,489,493, C>T. VCF-style: chr21-45489493-C-T. GRCh37 (hg19) VCF-style: chr21-46909407-C-T.
Other names: c.2471C>T, p.Pro824Leu (NM_030582.4); c.3176C>T, p.Pro1059Leu (NM_130444.3); short protein forms P1059L, P644L, P824L.
Identifiers: ClinVar variation 1425466 (VCV001425466.6), dbSNP rs759989824, ClinGen allele CA10066689.